The following is an entry in ClinVar:

ClinVar aggregate classification (germline): Uncertain significance (1 of 4 stars; one submission).

Allele frequency attached by ClinVar (database versions not stated): TOPMed below 0.00001; gnomAD 0.00001.

Submission:

Labcorp Genetics (formerly Invitae), Labcorp
Classification: Uncertain significance. Last evaluated: 2022-12-29. Review status: criteria provided, single submitter. Criteria: Invitae Variant Classification Sherloc (09022015). Collection method: clinical testing. Allele origin: germline.
Comment: This sequence change replaces alanine, which is neutral and non-polar, with valine, which is neutral and non-polar, at codon 165 of the HYOU1 protein (p.Ala165Val). This variant is not present in population databases (gnomAD no frequency). This variant has not been reported in the literature in individuals affected with HYOU1-related conditions. Algorithms developed to predict the effect of missense changes on protein structure and function are either unavailable or do not agree on the potential impact of this missense change (SIFT: "Not Available"; PolyPhen-2: "Probably Damaging"; Align-GVGD: "Not Available"). In summary, the available evidence is currently insufficient to determine the role of this variant in disease. Therefore, it has been classified as a Variant of Uncertain Significance.

NM_006389.5(HYOU1):c.494C>T (p.Ala165Val)

Gene: HYOU1 (hypoxia up-regulated 1; minus strand). Cytogenetic location: 11q23.3.
Variant type: single nucleotide variant.
Coding change: c.494C>T on transcript NM_006389.5 (MANE Select); coding-DNA position 494, C replaced by T.
Protein change: p.Ala165Val; replaces alanine 165 with valine.
Molecular consequence: missense variant.
Genome position (GRCh38, 1-based): chr11:119,054,986, G>A on the plus strand (C>T on the coding strand, the complement: HYOU1 is on the minus strand). VCF-style: chr11-119054986-G-A. GRCh37 (hg19) VCF-style: chr11-118925698-G-A.
Other names: c.494C>T, p.Ala165Val (NM_001130991.3, NM_001411041.1); short protein forms A165V.
Identifiers: ClinVar variation 2879643 (VCV002879643.3), dbSNP rs1944667155, ClinGen allele CA382949623.